The following is an entry in ClinVar:

ClinVar aggregate classification (germline): Likely benign (1 of 4 stars; one submission).

Conditions:
Gastrointestinal stromal tumor. Also called: Gastrointestinal stromal tumor, somatic; Gastrointestinal stroma tumor. Identifiers: Orphanet 44890, MedGen C0238198, MeSH D046152, MONDO:0011719, OMIM 606764, HP:0100723.

Submission:

Myriad Genetics, Inc.
Classification: Likely benign for Gastrointestinal stromal tumor. Last evaluated: 2026-05-27. Review status: criteria provided, single submitter. Criteria: Myriad Autosomal Dominant, Autosomal Recessive and X-Linked Classification Criteria (2023). Collection method: clinical testing. Allele origin: unknown.
Comment: This variant is considered likely benign. This variant is intronic and is not expected to impact mRNA splicing.

NM_000222.3(KIT):c.1231+9C>T

Gene: KIT (KIT proto-oncogene, receptor tyrosine kinase; plus strand). Cytogenetic location: 4q12.
Variant type: single nucleotide variant.
Coding change: c.1231+9C>T on transcript NM_000222.3 (MANE Select); 9 bases into the intron after coding-DNA position 1231, C replaced by T.
Molecular consequence: intron variant.
Genome position (GRCh38, 1-based): chr4:54,709,548, C>T. VCF-style: chr4-54709548-C-T. GRCh37 (hg19) VCF-style: chr4-55575714-C-T.
Other names: c.1234+9C>T (NM_001385284.1, NM_001385290.1, NM_001385288.1 and 1 more transcripts); c.1231+9C>T (NM_001385285.1, NM_001093772.2, NM_001385286.1).
Identifiers: ClinVar variation 4875923 (VCV004875923.1).